The following is an entry in ClinVar:

ClinVar aggregate classification (germline): Uncertain significance. Review status: criteria provided, multiple submitters, no conflicts (2 of 4 stars). 2 submissions from 2 submitters: Uncertain significance (2). Last evaluated 2025-02-02.

Conditions:
Cardiovascular phenotype. Identifiers: MedGen CN230736.
Hereditary cancer-predisposing syndrome. Also called: Neoplastic Syndromes, Hereditary; Tumor predisposition; Hereditary neoplastic syndrome; Hereditary Cancer Syndrome. Identifiers: Orphanet 140162, MedGen C0027672, MeSH D009386, MONDO:0015356.
Neurofibromatosis, type 1 (NF1). Also called: NEUROFIBROMATOSIS, TYPE I, SOMATIC; Neurofibromatosis, type I; VON RECKLINGHAUSEN DISEASE; Peripheral type neurofibromatosis. Identifiers: Orphanet 636, MedGen C0027831, MONDO:0018975, OMIM 162200. Disease mechanism: loss of function.

Submissions (2):

Ambry Genetics
Classification: Uncertain significance for Cardiovascular phenotype; Hereditary cancer-predisposing syndrome. Last evaluated: 2025-02-02. Review status: criteria provided, single submitter. Criteria: Ambry Variant Classification Scheme 2023. Collection method: clinical testing. Allele origin: germline.
Comment: The p.L2599R variant (also known as c.7796T>G), located in coding exon 52 of the NF1 gene, results from a T to G substitution at nucleotide position 7796. The leucine at codon 2599 is replaced by arginine, an amino acid with dissimilar properties. This amino acid position is conserved. In addition, this alteration is predicted to be deleterious by in silico analysis. Based on the available evidence, the clinical significance of this variant remains unclear.

Labcorp Genetics (formerly Invitae), Labcorp
Classification: Uncertain significance for Neurofibromatosis, type 1. Last evaluated: 2021-08-01. Review status: criteria provided, single submitter. Criteria: Invitae Variant Classification Sherloc (09022015). Collection method: clinical testing. Allele origin: germline.
Comment: In summary, the available evidence is currently insufficient to determine the role of this variant in disease. Therefore, it has been classified as a Variant of Uncertain Significance. Advanced modeling of protein sequence and biophysical properties (such as structural, functional, and spatial information, amino acid conservation, physicochemical variation, residue mobility, and thermodynamic stability) performed at Invitae indicates that this missense variant is expected to disrupt NF1 protein function. This variant has not been reported in the literature in individuals affected with NF1-related conditions. This variant is not present in population databases (ExAC no frequency). This sequence change replaces leucine with arginine at codon 2599 of the NF1 protein (p.Leu2599Arg). The leucine residue is moderately conserved and there is a moderate physicochemical difference between leucine and arginine.

NM_001042492.3(NF1):c.7859T>G (p.Leu2620Arg)

Gene: NF1 (neurofibromin 1; plus strand). Cytogenetic location: 17q11.2.
Variant type: single nucleotide variant.
Coding change: c.7859T>G on transcript NM_001042492.3 (MANE Select); coding-DNA position 7859, T replaced by G.
Protein change: p.Leu2620Arg; replaces leucine 2620 with arginine.
Molecular consequence: missense variant.
Genome position (GRCh38, 1-based): chr17:31,357,080, T>G. VCF-style: chr17-31357080-T-G. GRCh37 (hg19) VCF-style: chr17-29684098-T-G.
Other names: c.7796T>G, p.Leu2599Arg (NM_000267.4); short protein forms L2620R, L2599R.
Identifiers: ClinVar variation 1494862 (VCV001494862.7), dbSNP rs2151582531, ClinGen allele CA399018696.
Genomic context (GRCh38, chr17:31,357,080, plus strand): 5'-AATCAAATGTTCTCTTGGATGAAGAAGTACTTACTGATCCGAAGATCCAGGCGCTGCTTC[T>G]TACTGTTCTAGTAAGGATTTCCCCTTTTTGAGTCCCCCACCCTCAAATTTTTATTCCAGT-3'
Protein context (NP_001035957.1, residues 2610-2630): LTDPKIQALL[Leu2620Arg]TVLATLVKYT